The following is an entry in ClinVar:

NM_138386.3(NAF1):c.28C>A (p.Gln10Lys)

Gene: NAF1 (nuclear assembly factor 1 ribonucleoprotein; minus strand). Cytogenetic location: 4q32.2.
Variant type: single nucleotide variant.
Coding change: c.28C>A on transcript NM_138386.3 (MANE Select); coding-DNA position 28, C replaced by A.
Protein change: p.Gln10Lys; replaces glutamine 10 with lysine.
Molecular consequence: missense variant.
Genome position (GRCh38, 1-based): chr4:163,166,700, G>T on the plus strand (C>A on the coding strand, the complement: NAF1 is on the minus strand). VCF-style: chr4-163166700-G-T. GRCh37 (hg19) VCF-style: chr4-164087852-G-T.
Other names: c.28C>A, p.Gln10Lys (NM_001128931.2); short protein forms Q10K.
Identifiers: ClinVar variation 3635023 (VCV003635023.2).

ClinVar aggregate classification (germline): Uncertain significance (1 of 4 stars; one submission).

gnomAD v4.1: 1 of 1,613,524 alleles (0.000062%); highest among the groups gnomAD compares: Non-Finnish European, 0.000085%; no homozygotes.

Submission:

Labcorp Genetics (formerly Invitae), Labcorp
Classification: Uncertain significance. Last evaluated: 2024-02-03. Review status: criteria provided, single submitter. Criteria: Invitae Variant Classification Sherloc (09022015). Collection method: clinical testing. Allele origin: germline.
Comment: This sequence change replaces glutamine, which is neutral and polar, with lysine, which is basic and polar, at codon 10 of the NAF1 protein (p.Gln10Lys). This variant is not present in population databases (gnomAD no frequency). This variant has not been reported in the literature in individuals affected with NAF1-related conditions. An algorithm developed to predict the effect of missense changes on protein structure and function (PolyPhen-2) suggests that this variant is likely to be disruptive. In summary, the available evidence is currently insufficient to determine the role of this variant in disease. Therefore, it has been classified as a Variant of Uncertain Significance.